The following is an entry in ClinVar:

ClinVar aggregate classification (germline): Conflicting classifications of pathogenicity. Review status: criteria provided, conflicting classifications (1 of 4 stars). 2 submissions from 2 submitters: Likely pathogenic (1); Uncertain significance (1). Last evaluated 2025-01-19.

Conditions:
FG syndrome 4 (FGS4). Identifiers: MedGen C1845546, MONDO:0010318, OMIM 300422.
Intellectual disability, CASK-related, X-linked. Identifiers: MedGen CN043158.

Submissions (2):

Labcorp Genetics (formerly Invitae), Labcorp
Classification: Uncertain significance for Intellectual disability, CASK-related, X-linked. Last evaluated: 2025-01-19. Review status: criteria provided, single submitter. Criteria: Invitae Variant Classification Sherloc (09022015). Collection method: clinical testing. Allele origin: germline.
Comment: This sequence change replaces threonine, which is neutral and polar, with isoleucine, which is neutral and non-polar, at codon 361 of the CASK protein (p.Thr361Ile). This variant is not present in population databases (gnomAD no frequency). This missense change has been observed in individual(s) with intellectual disability and microcephaly (PMID: 35568357). ClinVar contains an entry for this variant (Variation ID: 1676836). Invitae Evidence Modeling of protein sequence and biophysical properties (such as structural, functional, and spatial information, amino acid conservation, physicochemical variation, residue mobility, and thermodynamic stability) indicates that this missense variant is not expected to disrupt CASK protein function with a negative predictive value of 80%. In summary, the available evidence is currently insufficient to determine the role of this variant in disease. Therefore, it has been classified as a Variant of Uncertain Significance.

Department of Medical Genetics, Sanjay Gandhi Post Graduate Institute of Medical Sciences
Classification: Likely pathogenic for FG syndrome 4. Review status: criteria provided, single submitter. Criteria: ACMG Guidelines, 2015. Collection method: clinical testing. Allele origin: unknown. Inheritance: X-linked dominant inheritance. Affected: yes. Observed: 1 hemizygote.

Literature cited by the submitters: PubMed 35568357 (cited by Labcorp Genetics (formerly Invitae), Labcorp).

NM_001367721.1(CASK):c.1082C>T (p.Thr361Ile)

Gene: CASK (calcium/calmodulin dependent serine protein kinase; minus strand). Cytogenetic location: Xp11.4.
Variant type: single nucleotide variant.
Coding change: c.1082C>T on transcript NM_001367721.1 (MANE Select); coding-DNA position 1082, C replaced by T.
Protein change: p.Thr361Ile; replaces threonine 361 with isoleucine.
Molecular consequence: missense variant.
Genome position (GRCh38, 1-based): chrX:41,609,977, G>A on the plus strand (C>T on the coding strand, the complement: CASK is on the minus strand). VCF-style: chrX-41609977-G-A. GRCh37 (hg19) VCF-style: chrX-41469230-G-A.
Other names: c.1082C>T, p.Thr361Ile (NM_001126054.3, NM_003688.4); c.1064C>T, p.Thr355Ile (NM_001126055.3, NM_001410745.1); short protein forms T355I, T361I.
Identifiers: ClinVar variation 1676836 (VCV001676836.6), dbSNP rs2518967628, ClinGen allele CA412999695.